The following is an entry in ClinVar:

ClinVar aggregate classification (germline): Uncertain significance (1 of 4 stars; one submission).

Conditions:
Autosomal dominant nonsyndromic hearing loss 1. Also called: KONIGSMARK SYNDROME; DEAFNESS, AUTOSOMAL DOMINANT 1, WITH OR WITHOUT THROMBOCYTOPENIA. Identifiers: Orphanet 90635, MedGen C1852282, MONDO:0007424, OMIM 124900.
Progressive microcephaly-seizures-cortical blindness-developmental delay syndrome. Also called: Seizures, cortical blindness, and microcephaly syndrome. Identifiers: Orphanet 477814, MedGen C5567650, MONDO:0014714, OMIM 616632.

Submission:

Labcorp Genetics (formerly Invitae), Labcorp
Classification: Uncertain significance for Progressive microcephaly-seizures-cortical blindness-developmental delay syndrome; Autosomal dominant nonsyndromic hearing loss 1. Last evaluated: 2022-08-10. Review status: criteria provided, single submitter. Criteria: Invitae Variant Classification Sherloc (09022015). Collection method: clinical testing. Allele origin: germline.
Comment: In summary, the available evidence is currently insufficient to determine the role of this variant in disease. Therefore, it has been classified as a Variant of Uncertain Significance. Experimental studies and prediction algorithms are not available or were not evaluated, and the functional significance of this variant is currently unknown. This variant has not been reported in the literature in individuals affected with DIAPH1-related conditions. This variant is not present in population databases (gnomAD no frequency). This sequence change affects codon 1273 of the DIAPH1 mRNA. It is a 'silent' change, meaning that it does not change the encoded amino acid sequence of the DIAPH1 protein. It affects a nucleotide within the consensus splice site.

NM_005219.5(DIAPH1):c.3818A>G (p.Ter1273=)

Gene: DIAPH1 (diaphanous related formin 1; minus strand). Cytogenetic location: 5q31.3.
Variant type: single nucleotide variant.
Coding change: c.3818A>G on transcript NM_005219.5 (MANE Select); coding-DNA position 3818, A replaced by G.
Protein change: p.Ter1273=.
Molecular consequence: synonymous variant. On other transcripts: 3 prime UTR variant (1).
Genome position (GRCh38, 1-based): chr5:141,516,852, T>C on the plus strand (A>G on the coding strand, the complement: DIAPH1 is on the minus strand). VCF-style: chr5-141516852-T-C. GRCh37 (hg19) VCF-style: chr5-140896419-T-C.
Other names: c.3791A>G, p.Ter1264= (NM_001079812.3); c.*118A>G (NM_001314007.2).
Identifiers: ClinVar variation 2088128 (VCV002088128.4), dbSNP rs753432442, ClinGen allele CA446849559.
Genomic context (GRCh38, chr5:141,516,852, plus strand): 5'-CTGCAGGGCAGGACAGTCTGCGGCTCCGCTGAGGAGCTGCCGCGGTCACAGGACCCACAT[T>C]AGCTTGCACGGCCAACCAACTCCTTGGCTTCCTCAAGGATTGTGGGGAATGTCTCACTGT-3'